The following is an entry in ClinVar:

NM_006885.4(ZFHX3):c.9151A>G (p.Lys3051Glu)

Genes: ZFHX3 (zinc finger homeobox 3; minus strand), ZFHX3-AS1 (ZFHX3 antisense RNA 1; plus strand). Cytogenetic location: 16q22.2.
Variant type: single nucleotide variant.
Coding change: c.9151A>G on transcript NM_006885.4 (MANE Select); coding-DNA position 9151, A replaced by G.
Protein change: p.Lys3051Glu; replaces lysine 3051 with glutamic acid.
Molecular consequence: missense variant.
Genome position (GRCh38, 1-based): chr16:72,793,531, T>C on the plus strand (A>G on the coding strand, the complement: ZFHX3 is on the minus strand). VCF-style: chr16-72793531-T-C. GRCh37 (hg19) VCF-style: chr16-72827430-T-C.
Other names: c.6409A>G, p.Lys2137Glu (NM_001164766.2); c.9151A>G, p.Lys3051Glu (NM_001386735.1); short protein forms K2137E, K3051E.
Identifiers: ClinVar variation 3776450 (VCV003776450.1).

ClinVar aggregate classification (germline): Uncertain significance (1 of 4 stars; one submission).

Submission:

GeneDx
Classification: Uncertain significance. Last evaluated: 2024-09-30. Review status: criteria provided, single submitter. Criteria: GeneDx Variant Classification Process June 2021. Collection method: clinical testing. Allele origin: germline. Affected: yes.
Comment: Not observed at significant frequency in large population cohorts (gnomAD); In silico analysis supports that this missense variant has a deleterious effect on protein structure/function; Has not been previously published as pathogenic or benign to our knowledge